The following is an entry in ClinVar:

NM_018368.4(LMBRD1):c.1396_1397insTC (p.Cys466fs)

Gene: LMBRD1 (LMBR1 domain containing 1; minus strand). Cytogenetic location: 6q13.
Variant type: Insertion.
Coding change: c.1396_1397insTC on transcript NM_018368.4 (MANE Select); coding-DNA positions 1396 to 1397, TC inserted.
Protein change: p.Cys466fs; shifts the reading frame from cysteine 466.
Molecular consequence: frameshift variant.
Genome position: GRCh38 VCF-style: chr6-69697583-C-CGA. GRCh37 (hg19) VCF-style: chr6-70407475-C-CGA.
Other names: c.1177_1178insTC, p.Cys393fs (NM_001367272.1, NM_001363722.2, NM_001367271.1); short protein forms C393fs, C466fs.
Identifiers: ClinVar variation 1683362 (VCV001683362.1), dbSNP rs764930914, ClinGen allele CA3879578.
Genomic context (GRCh38, chr6:69,697,583, plus strand): 5'-TTCCTAAAAAGTTGTAAGTTCTAAAACAAGCTGTTTTTACCTTCAGGAGCATCTGCATCA[C>CGA]ATCTCTTTGGCACAGAAAGGGTTGAATTGCCTTTATGATTATCAGAAGTTATATTAGTCT-3'

ClinVar aggregate classification (germline): Likely pathogenic (1 of 4 stars; one submission).

Conditions:
Cobalamin C disease. Also called: Methylmalonic aciduria with homocystinuria cblC type; methylmalonic aciduria and homocystinuria type cblC; Cobalamin-C methylmalonic acidemia and homocystinuria; Methylmalonic acidemia and homocystinuria cblC type; Methylmalonic aciduria and homocystinuria, Vitamin B12-responsive; Vitamin B12 metabolic defect with combined deficiency of methylmalonyl-CoA mutase and homocysteine:methyltetrahydrofolate methyltransferase. Identifiers: Orphanet 26, Orphanet 79282, MedGen C1848561, MONDO:0010184, OMIM 277400.

Allele frequency attached by ClinVar (database versions not stated): gnomAD exomes below 0.00001; ExAC 0.00001.

Submission:

Women's Health and Genetics/Laboratory Corporation of America, LabCorp
Classification: Likely pathogenic for Cobalamin C disease. Last evaluated: 2022-04-15. Review status: criteria provided, single submitter. Criteria: LabCorp Variant Classification Summary - May 2015. Collection method: clinical testing. Allele origin: germline.
Comment: Variant summary: LMBRD1 c.1396_1397insTC (p.Cys466PhefsX42) results in a premature termination codon, predicted to cause a truncation of the encoded protein or absence of the protein due to nonsense mediated decay, which are known mechanisms for disease. The variant allele was found at a frequency of 4e-06 in 250678 control chromosomes (gnomAD). To our knowledge, no occurrence of c.1396_1397insTC in individuals affected with Methylmalonic Acidemia With Homocystinuria and no experimental evidence demonstrating its impact on protein function have been reported. No clinical diagnostic laboratories have submitted clinical-significance assessments for this variant to ClinVar after 2014. Based on the evidence outlined above, the variant was classified as likely pathogenic.